The following is an entry in ClinVar:

ClinVar aggregate classification (germline): Uncertain significance. Review status: criteria provided, multiple submitters, no conflicts (2 of 4 stars). 2 submissions from 2 submitters: Uncertain significance (2). Last evaluated 2025-04-28.

Conditions:
Cardiovascular phenotype. Identifiers: MedGen CN230736.
Hypertrophic cardiomyopathy 14. Identifiers: MedGen C2750467, MONDO:0013197, OMIM 613251.

Submissions (2):

Labcorp Genetics (formerly Invitae), Labcorp
Classification: Uncertain significance for Hypertrophic cardiomyopathy 14. Last evaluated: 2025-04-28. Review status: criteria provided, single submitter. Criteria: Invitae Variant Classification Sherloc (09022015). Collection method: clinical testing. Allele origin: germline.
Comment: This sequence change creates a premature translational stop signal (p.Val59Serfs*11) in the MYH6 gene. It is expected to result in an absent or disrupted protein product. However, the current clinical and genetic evidence is not sufficient to establish whether loss-of-function variants in MYH6 cause disease. This variant is not present in population databases (gnomAD no frequency). This variant has not been reported in the literature in individuals affected with MYH6-related conditions. ClinVar contains an entry for this variant (Variation ID: 1779550). In summary, the available evidence is currently insufficient to determine the role of this variant in disease. Therefore, it has been classified as a Variant of Uncertain Significance.

Ambry Genetics
Classification: Uncertain significance for Cardiovascular phenotype. Last evaluated: 2019-12-23. Review status: criteria provided, single submitter. Criteria: Ambry Variant Classification Scheme 2023. Collection method: clinical testing. Allele origin: germline.
Comment: The c.175delG variant, located in coding exon 1 of the MYH6 gene, results from a deletion of one nucleotide at nucleotide position 175, causing a translational frameshift with a predicted alternate stop codon (p.V59Sfs*11). This alteration is expected to result in loss of function by premature protein truncation or nonsense-mediated mRNA decay. However, loss of function of MYH6 has not been clearly established as a mechanism of disease. Since supporting evidence is limited at this time, the clinical significance of this alteration remains unclear.

NM_002471.4(MYH6):c.175del (p.Val59fs)

Genes: MYH6 (myosin heavy chain 6; minus strand), LOC114827851 (VISTA enhancer hs2155; plus strand). Cytogenetic location: 14q11.2.
Variant type: Deletion.
Coding change: c.175del on transcript NM_002471.4 (MANE Select); coding-DNA position 175, one base deleted (G; older notation c.175delG).
Protein change: p.Val59fs; shifts the reading frame from valine 59.
Molecular consequence: frameshift variant.
Genome position (GRCh38, 1-based): chr14:23,407,049, C deleted on the plus strand (G on the coding strand, the reverse complement: MYH6 is on the minus strand); the first of 2 consecutive C bases (chr14:23,407,049-23,407,050); deleting either gives the same sequence. VCF-style (leftmost placement, unchanged base first): chr14-23407048-AC-A. GRCh37 (hg19) VCF-style: chr14-23876257-AC-A.
Other names: c.175delG (NM_002471.3); short protein forms V59fs.
Identifiers: ClinVar variation 1779550 (VCV001779550.3), dbSNP rs1238153696, ClinGen allele CA704272151.